The following is an entry in ClinVar:

ClinVar aggregate classification (germline): Uncertain significance (1 of 4 stars; one submission).

Submission:

GeneDx
Classification: Uncertain significance. Last evaluated: 2025-04-02. Review status: criteria provided, single submitter. Criteria: GeneDx Variant Classification Process June 2021. Collection method: clinical testing. Allele origin: germline. Affected: yes.
Comment: Not observed at significant frequency in large population cohorts (gnomAD); In silico analysis supports that this missense variant has a deleterious effect on protein structure/function; Has not been previously published as pathogenic or benign to our knowledge

NM_001271696.3(ABCB7):c.1007C>T (p.Ser336Leu)

Gene: ABCB7 (ATP binding cassette subfamily B member 7; minus strand). Cytogenetic location: Xq13.3.
Variant type: single nucleotide variant.
Coding change: c.1007C>T on transcript NM_001271696.3 (MANE Select); coding-DNA position 1007, C replaced by T.
Protein change: p.Ser336Leu; replaces serine 336 with leucine.
Molecular consequence: missense variant.
Genome position (GRCh38, 1-based): chrX:75,073,714, G>A on the plus strand (C>T on the coding strand, the complement: ABCB7 is on the minus strand). VCF-style: chrX-75073714-G-A. GRCh37 (hg19) VCF-style: chrX-74293549-G-A.
Other names: c.887C>T, p.Ser296Leu (NM_001271697.3); c.929C>T, p.Ser310Leu (NM_001271698.3); c.890C>T, p.Ser297Leu (NM_001271699.3); c.1010C>T, p.Ser337Leu (NM_004299.6); short protein forms S296L, S297L, S310L, S336L, S337L.
Identifiers: ClinVar variation 4278686 (VCV004278686.1).